The following is an entry in ClinVar:

ClinVar aggregate classification (germline): Uncertain significance (1 of 4 stars; one submission).

Conditions:
POLD1-related polyposis and colorectal cancer syndrome (CRCS10). Also called: Colorectal cancer 10; Colorectal cancer, susceptibility to, 10; COLORECTAL CANCER, SUSCEPTIBILITY TO, ON CHROMOSOME 19q. Identifiers: Orphanet 220460, MedGen C2675481, MONDO:0012953, OMIM 612591.

Submission:

Labcorp Genetics (formerly Invitae), Labcorp
Classification: Uncertain significance for POLD1-related polyposis and colorectal cancer syndrome. Last evaluated: 2023-05-24. Review status: criteria provided, single submitter. Criteria: Invitae Variant Classification Sherloc (09022015). Collection method: clinical testing. Allele origin: germline.
Comment: This sequence change replaces arginine, which is basic and polar, with glycine, which is neutral and non-polar, at codon 211 of the POLD1 protein (p.Arg211Gly). This variant is not present in population databases (gnomAD no frequency). This variant has not been reported in the literature in individuals affected with POLD1-related conditions. Advanced modeling of protein sequence and biophysical properties (such as structural, functional, and spatial information, amino acid conservation, physicochemical variation, residue mobility, and thermodynamic stability) has been performed at Invitae for this missense variant, however the output from this modeling did not meet the statistical confidence thresholds required to predict the impact of this variant on POLD1 protein function. In summary, the available evidence is currently insufficient to determine the role of this variant in disease. Therefore, it has been classified as a Variant of Uncertain Significance.

NM_002691.4(POLD1):c.631C>G (p.Arg211Gly)

Gene: POLD1 (DNA polymerase delta 1, catalytic subunit; plus strand). Cytogenetic location: 19q13.33.
Variant type: single nucleotide variant.
Coding change: c.631C>G on transcript NM_002691.4 (MANE Select); coding-DNA position 631, C replaced by G.
Protein change: p.Arg211Gly; replaces arginine 211 with glycine.
Molecular consequence: missense variant. On other transcripts: non-coding transcript variant (1).
Genome position (GRCh38, 1-based): chr19:50,402,246, C>G. VCF-style: chr19-50402246-C-G. GRCh37 (hg19) VCF-style: chr19-50905503-C-G.
Other names: c.631C>G, p.Arg211Gly (NM_001256849.1, NM_001308632.1); short protein forms R211G.
Identifiers: ClinVar variation 2703301 (VCV002703301.3), dbSNP rs200679966, ClinGen allele CA406974002.
Genomic context (GRCh38, chr19:50,402,246, plus strand): 5'-CAGCTTCTTCCATCCACAGGCATGTTTGGGTACCACGGGCACGGCCCCTCCCCGTTCCTG[C>G]GCATCACCGTGGCGCTGCCGCGCCTCGTGGCCCCGGCCCGCCGTCTCCTGGAACAGGGCA-3'
Protein context (NP_002682.2, residues 201-221): YHGHGPSPFL[Arg211Gly]ITVALPRLVA